The following is an entry in ClinVar:

NM_001365536.1(SCN9A):c.966-10T>A

Genes: SCN1A-AS1 (SCN1A and SCN9A antisense RNA 1; plus strand), SCN9A (sodium voltage-gated channel alpha subunit 9; minus strand). Cytogenetic location: 2q24.3.
Variant type: single nucleotide variant.
Coding change: c.966-10T>A on transcript NM_001365536.1 (MANE Select); 10 bases into the intron before coding-DNA position 966, T replaced by A.
Molecular consequence: intron variant.
Genome position (GRCh38, 1-based): chr2:166,293,382, A>T on the plus strand (T>A on the coding strand, the complement: SCN9A is on the minus strand). VCF-style: chr2-166293382-A-T. GRCh37 (hg19) VCF-style: chr2-167149892-A-T.
Other names: c.966-10T>A (NM_002977.4).
Identifiers: ClinVar variation 578753 (VCV000578753.9), dbSNP rs1559019772, ClinGen allele CA891842494.
Genomic context (GRCh38, chr2:166,293,382, plus strand): 5'-TAATCAGGGTTTCTGCCAATTTTCACACAGGTGTACCCCTCTGGACACTGACTACACACG[A>T]GAAAGAACATTATAGGTGAGAGTGTCTTCAGGACACAAGCTAAATAGCCTTACTGAAAAG-3'

ClinVar aggregate classification (germline): Uncertain significance (1 of 4 stars; one submission).

Conditions:
Neuropathy, hereditary sensory and autonomic, type 2A (HSAN2A). Also called: ACROOSTEOLYSIS, GIACCAI TYPE; ACROOSTEOLYSIS, NEUROGENIC; MORVAN DISEASE; NEUROPATHY, CONGENITAL SENSORY; NEUROPATHY, HEREDITARY SENSORY RADICULAR, AUTOSOMAL RECESSIVE; NEUROPATHY, HEREDITARY SENSORY, TYPE IIA. Identifiers: Orphanet 970, MedGen C2752089, MONDO:0024309, OMIM 201300.
Generalized epilepsy with febrile seizures plus, type 7 (GEFSP7). Also called: GEFS+, TYPE 7. Identifiers: Orphanet 36387, MedGen C2751778, MONDO:0013470, OMIM 613863.

gnomAD v4.1: 1 of 1,597,728 alleles (0.000063%); highest among the groups gnomAD compares: Non-Finnish European, 0.000085%; no homozygotes.

Submission:

Labcorp Genetics (formerly Invitae), Labcorp
Classification: Uncertain significance for Neuropathy, hereditary sensory and autonomic, type 2A; Generalized epilepsy with febrile seizures plus, type 7. Last evaluated: 2021-06-01. Review status: criteria provided, single submitter. Criteria: Invitae Variant Classification Sherloc (09022015). Collection method: clinical testing. Allele origin: germline.
Comment: This sequence change falls in intron 8 of the SCN9A gene. It does not directly change the encoded amino acid sequence of the SCN9A protein. This variant is not present in population databases (ExAC no frequency). This variant has not been reported in the literature in individuals with SCN9A-related disease. Algorithms developed to predict the effect of sequence changes on RNA splicing suggest that this variant may disrupt the consensus splice site, but this prediction has not been confirmed by published transcriptional studies. In summary, the available evidence is currently insufficient to determine the role of this variant in disease. Therefore, it has been classified as a Variant of Uncertain Significance.